The following is an entry in ClinVar:

ClinVar aggregate classification (germline): Conflicting classifications of pathogenicity. Review status: criteria provided, conflicting classifications (1 of 4 stars). 3 submissions from 3 submitters: Uncertain significance (1); Likely benign (2). Last evaluated 2025-04-17.

Conditions:
TRPM1-related disorder. Also called: TRPM1-related condition.

Allele frequency attached by ClinVar (database versions not stated): gnomAD exomes 0.00004 and 0.00011; ExAC 0.00011; 1000 Genomes Project 30x 0.00016; 1000 Genomes Project 0.00020; gnomAD 0.00027 and 0.00031; TOPMed 0.00032; ESP Exome Variant Server 0.00048.
gnomAD v4.1: 102 of 1,614,098 alleles (0.0063%); highest among the groups gnomAD compares: African/African-American, 0.13%; no homozygotes.

Submissions (3):

Labcorp Genetics (formerly Invitae), Labcorp
Classification: Uncertain significance. Last evaluated: 2025-04-17. Review status: criteria provided, single submitter. Criteria: Invitae Variant Classification Sherloc (09022015). Collection method: clinical testing. Allele origin: germline.
Comment: This sequence change falls in intron 16 of the TRPM1 gene. It does not directly change the encoded amino acid sequence of the TRPM1 protein. It affects a nucleotide within the consensus splice site. This variant is present in population databases (rs200669105, gnomAD 0.2%). This variant has not been reported in the literature in individuals affected with TRPM1-related conditions. ClinVar contains an entry for this variant (Variation ID: 944088). Variants that disrupt the consensus splice site are a relatively common cause of aberrant splicing (PMID: 17576681, 9536098). Algorithms developed to predict the effect of sequence changes on RNA splicing suggest that this variant is not likely to affect RNA splicing. In summary, the available evidence is currently insufficient to determine the role of this variant in disease. Therefore, it has been classified as a Variant of Uncertain Significance.

PreventionGenetics, part of Exact Sciences
Classification: Likely benign for TRPM1-related condition. Last evaluated: 2025-01-06. Review status: criteria provided, single submitter. Criteria: ACMG Guidelines, 2015. Collection method: clinical testing. Allele origin: germline.
Comment: This variant is classified as likely benign based on ACMG/AMP sequence variant interpretation guidelines (Richards et al. 2015 PMID: 25741868, with internal and published modifications).

Blueprint Genetics
Classification: Likely benign. Last evaluated: 2024-06-17. Review status: criteria provided, single submitter. Criteria: ACMG Guidelines, 2015. Collection method: clinical testing. Allele origin: germline.

Literature cited by the submitters: PubMed 17576681 (cited by Labcorp Genetics (formerly Invitae), Labcorp); PubMed 9536098 (cited by Labcorp Genetics (formerly Invitae), Labcorp).

NM_001252024.2(TRPM1):c.2087+3T>G

Gene: TRPM1 (transient receptor potential cation channel subfamily M member 1; minus strand). Cytogenetic location: 15q13.3.
Variant type: single nucleotide variant.
Coding change: c.2087+3T>G on transcript NM_001252024.2 (MANE Select); 3 bases into the intron after coding-DNA position 2087, T replaced by G.
Molecular consequence: intron variant.
Genome position (GRCh38, 1-based): chr15:31,041,948, A>C on the plus strand (T>G on the coding strand, the complement: TRPM1 is on the minus strand). VCF-style: chr15-31041948-A-C. GRCh37 (hg19) VCF-style: chr15-31334151-A-C.
Other names: c.2138+3T>G (NM_001252020.2, NM_001252020.1); c.2021+3T>G (NM_002420.6).
Identifiers: ClinVar variation 944088 (VCV000944088.9), dbSNP rs200669105, ClinGen allele CA7452336.